The following is an entry in ClinVar:

NM_002474.3(MYH11):c.3409G>A (p.Ala1137Thr)

Gene: MYH11 (myosin heavy chain 11; minus strand). Cytogenetic location: 16p13.11.
Variant type: single nucleotide variant.
Coding change: c.3409G>A on transcript NM_002474.3 (MANE Select); coding-DNA position 3409, G replaced by A.
Protein change: p.Ala1137Thr; replaces alanine 1137 with threonine.
Molecular consequence: missense variant.
Genome position (GRCh38, 1-based): chr16:15,735,463, C>T on the plus strand (G>A on the coding strand, the complement: MYH11 is on the minus strand). VCF-style: chr16-15735463-C-T. GRCh37 (hg19) VCF-style: chr16-15829320-C-T.
Other names: c.3430G>A, p.Ala1144Thr (NM_001040113.2, NM_001040114.2); c.3409G>A, p.Ala1137Thr (NM_022844.3); short protein forms A1137T, A1144T.
Identifiers: ClinVar variation 1018397 (VCV001018397.9), dbSNP rs761268562, ClinGen allele CA394861936.

ClinVar aggregate classification (germline): Uncertain significance (1 of 4 stars; one submission).

Conditions:
Aortic aneurysm, familial thoracic 4 (AAT4). Also called: AORTIC ANEURYSM/AORTIC DISSECTION AND PATENT DUCTUS ARTERIOSUS. Identifiers: MedGen C1851504, MONDO:0007568, OMIM 132900.

Submission:

Labcorp Genetics (formerly Invitae), Labcorp
Classification: Uncertain significance for Aortic aneurysm, familial thoracic 4. Last evaluated: 2020-02-05. Review status: criteria provided, single submitter. Criteria: Invitae Variant Classification Sherloc (09022015). Collection method: clinical testing. Allele origin: germline.
Comment: This sequence change replaces alanine with threonine at codon 1144 of the MYH11 protein (p.Ala1144Thr). The alanine residue is highly conserved and there is a small physicochemical difference between alanine and threonine. This variant is not present in population databases (ExAC no frequency). This variant has not been reported in the literature in individuals with MYH11-related conditions. Algorithms developed to predict the effect of missense changes on protein structure and function are either unavailable or do not agree on the potential impact of this missense change (SIFT: "Deleterious"; PolyPhen-2: "Benign"; Align-GVGD: "Class C0"). In summary, the available evidence is currently insufficient to determine the role of this variant in disease. Therefore, it has been classified as a Variant of Uncertain Significance.